The following is an entry in ClinVar:

ClinVar aggregate classification (germline): Likely pathogenic (1 of 4 stars; one submission).

Conditions:
KLHL40-related disorder. Also called: KLHL40-related condition.

Submission:

PreventionGenetics, part of Exact Sciences
Classification: Likely pathogenic for KLHL40-related condition. Last evaluated: 2026-06-17. Review status: criteria provided, single submitter. Criteria: ACMG Guidelines, 2015. Collection method: clinical testing. Allele origin: germline.
Comment: The KLHL40 c.292G>T variant is predicted to result in premature protein termination (p.Glu98*). To our knowledge, this variant has not been reported in the literature or in a large population database (gnomAD), indicating this variant is rare. Nonsense variants in KLHL40 are expected to be pathogenic. This variant is interpreted as likely pathogenic.

NM_152393.4(KLHL40):c.292G>T (p.Glu98Ter)

Gene: KLHL40 (kelch like family member 40; plus strand). Cytogenetic location: 3p22.1.
Variant type: single nucleotide variant.
Coding change: c.292G>T on transcript NM_152393.4 (MANE Select); coding-DNA position 292, G replaced by T.
Protein change: p.Glu98Ter; replaces glutamic acid 98 with a stop codon.
Molecular consequence: nonsense.
Genome position (GRCh38, 1-based): chr3:42,685,910, G>T. VCF-style: chr3-42685910-G-T. GRCh37 (hg19) VCF-style: chr3-42727402-G-T.
Other names: short protein forms E98*.
Identifiers: ClinVar variation 4995079 (VCV004995079.1).